The following is an entry in ClinVar:

ClinVar aggregate classification (germline): Benign/Likely benign. Review status: criteria provided, multiple submitters, no conflicts (2 of 4 stars). 4 submissions from 4 submitters: Benign (1); Likely benign (3). Last evaluated 2025-11-17.

Conditions:
Hereditary cancer-predisposing syndrome. Also called: Neoplastic Syndromes, Hereditary; Tumor predisposition; Hereditary Cancer Syndrome; Hereditary neoplastic syndrome. Identifiers: Orphanet 140162, MedGen C0027672, MeSH D009386, MONDO:0015356.
Familial cancer of breast. Also called: BREAST CANCER, FAMILIAL; Hereditary breast cancer; hereditary breast carcinoma. Identifiers: Orphanet 227535, MedGen C0346153, MONDO:0016419, OMIM 114480. Disease mechanism: loss of function.

gnomAD v4.1: 1 of 1,613,858 alleles (0.000062%); highest among the groups gnomAD compares: Non-Finnish European, 0.000085%; no homozygotes.

Submissions (4):

Labcorp Genetics (formerly Invitae), Labcorp
Classification: Likely benign for Familial cancer of breast. Last evaluated: 2025-11-17. Review status: criteria provided, single submitter. Criteria: Invitae Variant Classification Sherloc (09022015). Collection method: clinical testing. Allele origin: germline.

Myriad Genetics, Inc.
Classification: Benign for Familial cancer of breast. Last evaluated: 2024-07-25. Review status: criteria provided, single submitter. Criteria: Myriad Autosomal Dominant, Autosomal Recessive and X-Linked Classification Criteria (2023). Collection method: clinical testing. Allele origin: unknown.
Comment: This variant is considered benign. This variant is a silent/synonymous amino acid change and it is not expected to impact splicing.

Color Diagnostics, LLC DBA Color Health
Classification: Likely benign for Hereditary cancer-predisposing syndrome. Last evaluated: 2023-03-15. Review status: criteria provided, single submitter. Criteria: ACMG Guidelines, 2015. Collection method: clinical testing. Allele origin: germline.

Ambry Genetics
Classification: Likely benign for Hereditary cancer-predisposing syndrome. Last evaluated: 2014-11-06. Review status: criteria provided, single submitter. Criteria: Ambry Variant Classification Scheme 2023. Collection method: clinical testing. Allele origin: germline.

NM_000465.4(BARD1):c.1419C>T (p.His473=)

Gene: BARD1 (BRCA1 associated RING domain 1; minus strand). Cytogenetic location: 2q35.
Variant type: single nucleotide variant.
Coding change: c.1419C>T on transcript NM_000465.4 (MANE Select); coding-DNA position 1419, C replaced by T.
Protein change: p.His473=; no amino-acid change (histidine 473 retained).
Molecular consequence: synonymous variant. On other transcripts: non-coding transcript variant (3), intron variant (3).
Genome position (GRCh38, 1-based): chr2:214,767,631, G>A on the plus strand (C>T on the coding strand, the complement: BARD1 is on the minus strand). VCF-style: chr2-214767631-G-A. GRCh37 (hg19) VCF-style: chr2-215632355-G-A.
Other names: c.1362C>T, p.His454= (NM_001282543.2); c.159-15076C>T (NM_001282548.2); c.216-15076C>T (NM_001282545.2); c.364+24666C>T (NM_001282549.2).
Identifiers: ClinVar variation 187102 (VCV000187102.18), dbSNP rs786203473, ClinGen allele CA196744.
Genomic context (GRCh38, chr2:214,767,631, plus strand): 5'-TTGATACCCGGTGGTGTTCACCAATGCCTTATGCTGGAGCAATAATTCCACTACCTTCAG[G>A]TGCCCATGATTGCAAGCTTCATGCTAATTAAATTTTTTGAAAAAGAAGTGAAAGAAGTGA-3'
Protein context (NP_000456.2, residues 463-483): TPLHEACNHG[His473=]LKVVELLLQH